The following is an entry in ClinVar:

ClinVar aggregate classification (germline): Likely benign. Review status: criteria provided, multiple submitters, no conflicts (2 of 4 stars). 3 submissions from 3 submitters: Likely benign (3). Last evaluated 2026-02-02.

Conditions:
Charcot-Marie-Tooth disease axonal type 2O. Also called: CHARCOT-MARIE-TOOTH NEUROPATHY, AXONAL, TYPE 2O; CHARCOT-MARIE-TOOTH DISEASE, AXONAL, AUTOSOMAL DOMINANT, TYPE 2O; Charcot-Marie-Tooth disease, axonal, type 20; Charcot-Marie-Tooth Neuropathy Type 2O. Identifiers: Orphanet 284232, MedGen C3280220, MONDO:0013644, OMIM 614228.

gnomAD v4.1: 31 of 1,613,586 alleles (0.0019%); highest among the groups gnomAD compares: Middle Eastern, 0.033%; no homozygotes.

Submissions (3):

Labcorp Genetics (formerly Invitae), Labcorp
Classification: Likely benign for Charcot-Marie-Tooth disease axonal type 2O. Last evaluated: 2026-02-02. Review status: criteria provided, single submitter. Criteria: Invitae Variant Classification Sherloc (09022015). Collection method: clinical testing. Allele origin: germline.

Blueprint Genetics
Classification: Likely benign. Last evaluated: 2024-07-05. Review status: criteria provided, single submitter. Criteria: ACMG Guidelines, 2015. Collection method: clinical testing. Allele origin: germline.

GeneDx
Classification: Likely benign. Last evaluated: 2018-04-23. Review status: criteria provided, single submitter. Criteria: GeneDx Variant Classification (06012015). Collection method: clinical testing. Allele origin: germline. Affected: yes.
Comment: This variant is considered likely benign or benign based on one or more of the following criteria: it is a conservative change, it occurs at a poorly conserved position in the protein, it is predicted to be benign by multiple in silico algorithms, and/or has population frequency not consistent with disease.

NM_001376.5(DYNC1H1):c.6222-20C>T

Gene: DYNC1H1 (dynein cytoplasmic 1 heavy chain 1; plus strand). Cytogenetic location: 14q32.31.
Variant type: single nucleotide variant.
Coding change: c.6222-20C>T on transcript NM_001376.5 (MANE Select); 20 bases into the intron before coding-DNA position 6222, C replaced by T.
Molecular consequence: intron variant.
Genome position (GRCh38, 1-based): chr14:102,010,256, C>T. VCF-style: chr14-102010256-C-T. GRCh37 (hg19) VCF-style: chr14-102476593-C-T.
Identifiers: ClinVar variation 682284 (VCV000682284.9), dbSNP rs200368499, ClinGen allele CA7352580.